The following is an entry in ClinVar:

ClinVar aggregate classification (germline): Uncertain significance (1 of 4 stars; one submission).

Submission:

Labcorp Genetics (formerly Invitae), Labcorp
Classification: Uncertain significance. Last evaluated: 2021-10-08. Review status: criteria provided, single submitter. Criteria: Invitae Variant Classification Sherloc (09022015). Collection method: clinical testing. Allele origin: germline.
Comment: In summary, the available evidence is currently insufficient to determine the role of this variant in disease. Therefore, it has been classified as a Variant of Uncertain Significance. Algorithms developed to predict the effect of missense changes on protein structure and function (SIFT, PolyPhen-2, Align-GVGD) all suggest that this variant is likely to be disruptive. This variant has not been reported in the literature in individuals affected with PLEKHG2-related conditions. This variant is not present in population databases (ExAC no frequency). This sequence change replaces valine with leucine at codon 614 of the PLEKHG2 protein (p.Val614Leu). The valine residue is highly conserved and there is a small physicochemical difference between valine and leucine.

NM_022835.3(PLEKHG2):c.1840G>C (p.Val614Leu)

Gene: PLEKHG2 (pleckstrin homology and RhoGEF domain containing G2; plus strand). Cytogenetic location: 19q13.2.
Variant type: single nucleotide variant.
Coding change: c.1840G>C on transcript NM_022835.3 (MANE Select); coding-DNA position 1840, G replaced by C.
Protein change: p.Val614Leu; replaces valine 614 with leucine.
Molecular consequence: missense variant. On other transcripts: intron variant (1).
Genome position (GRCh38, 1-based): chr19:39,422,894, G>C. VCF-style: chr19-39422894-G-C. GRCh37 (hg19) VCF-style: chr19-39913534-G-C.
Other names: c.1663G>C, p.Val555Leu (NM_001351693.2); c.1677+606G>C (NM_001351694.2); short protein forms V555L, V614L.
Identifiers: ClinVar variation 1408796 (VCV001408796.6), dbSNP rs147484241, ClinGen allele CA405796411.